The following is an entry in ClinVar:

NM_001005242.3(PKP2):c.982G>A (p.Gly328Arg)

Gene: PKP2 (plakophilin 2; minus strand). Cytogenetic location: 12p11.21.
Variant type: single nucleotide variant.
Coding change: c.982G>A on transcript NM_001005242.3 (MANE Select); coding-DNA position 982, G replaced by A.
Protein change: p.Gly328Arg; replaces glycine 328 with arginine.
Molecular consequence: missense variant.
Genome position (GRCh38, 1-based): chr12:32,877,898, C>T on the plus strand (G>A on the coding strand, the complement: PKP2 is on the minus strand). VCF-style: chr12-32877898-C-T. GRCh37 (hg19) VCF-style: chr12-33030832-C-T.
Other names: c.982G>A, p.Gly328Arg (NM_001407155.1, NM_001407156.1, NM_001407157.1 and 2 more transcripts); c.655G>A, p.Gly219Arg (NM_001407158.1, NM_001407159.1, NM_001407160.1 and 1 more transcripts); short protein forms G219R, G328R.
Identifiers: ClinVar variation 3224328 (VCV003224328.2), dbSNP rs773517387, ClinGen allele CA039856.

ClinVar aggregate classification (germline): Uncertain significance. Review status: criteria provided, multiple submitters, no conflicts (2 of 4 stars). 2 submissions from 2 submitters: Uncertain significance (2). Last evaluated 2025-08-17.

Conditions:
Arrhythmogenic right ventricular dysplasia 9 (ARVD9). Also called: ARRHYTHMOGENIC RIGHT VENTRICULAR DYSPLASIA, FAMILIAL, 9; Arrhythmogenic Right Ventricular Dysplasia/Cardiomyopathy 9. Identifiers: MedGen C1836906, MONDO:0012180, OMIM 609040.
Cardiovascular phenotype. Identifiers: MedGen CN230736.

Allele frequency attached by ClinVar (database versions not stated): gnomAD 0.00001; gnomAD exomes 0.00001; ExAC 0.00002.
gnomAD v4.1: 12 of 1,614,050 alleles (0.00074%); highest among the groups gnomAD compares: South Asian, 0.0088%; 1 homozygote.

Submissions (2):

Labcorp Genetics (formerly Invitae), Labcorp
Classification: Uncertain significance for Arrhythmogenic right ventricular dysplasia 9. Last evaluated: 2025-08-17. Review status: criteria provided, single submitter. Criteria: Invitae Variant Classification Sherloc (09022015). Collection method: clinical testing. Allele origin: germline.
Comment: This sequence change replaces glycine, which is neutral and non-polar, with arginine, which is basic and polar, at codon 328 of the PKP2 protein (p.Gly328Arg). This variant is present in population databases (rs773517387, gnomAD 0.02%). This missense change has been observed in individual(s) with PKP2-related conditions (PMID: 17908752). ClinVar contains an entry for this variant (Variation ID: 3224328). An algorithm developed to predict the effect of missense changes on protein structure and function (PolyPhen-2) suggests that this variant is likely to be tolerated. In summary, the available evidence is currently insufficient to determine the role of this variant in disease. Therefore, it has been classified as a Variant of Uncertain Significance.

Ambry Genetics
Classification: Uncertain significance for Cardiovascular phenotype. Last evaluated: 2024-03-14. Review status: criteria provided, single submitter. Criteria: Ambry Variant Classification Scheme 2023. Collection method: clinical testing. Allele origin: germline.
Comment: The p.G328R variant (also known as c.982G>A), located in coding exon 3 of the PKP2 gene, results from a G to A substitution at nucleotide position 982. The glycine at codon 328 is replaced by arginine, an amino acid with dissimilar properties. This alteration has been reported in a sudden cardiac death cohort (Hofman N et al. Pediatrics, 2007 Oct;120:e967-73). This amino acid position is not well conserved in available vertebrate species. In addition, the in silico prediction for this alteration is inconclusive. Based on the available evidence, the clinical significance of this alteration remains unclear.

Literature cited by the submitters: PubMed 17908752 (cited by Labcorp Genetics (formerly Invitae), Labcorp and Ambry Genetics).